The following is an entry in ClinVar:

NM_001083962.2(TCF4):c.421C>T (p.Pro141Ser)

Gene: TCF4 (transcription factor 4; minus strand). Cytogenetic location: 18q21.2.
Variant type: single nucleotide variant.
Coding change: c.421C>T on transcript NM_001083962.2 (MANE Select); coding-DNA position 421, C replaced by T.
Protein change: p.Pro141Ser; replaces proline 141 with serine.
Molecular consequence: missense variant.
Genome position (GRCh38, 1-based): chr18:55,350,952, G>A on the plus strand (C>T on the coding strand, the complement: TCF4 is on the minus strand). VCF-style: chr18-55350952-G-A. GRCh37 (hg19) VCF-style: chr18-53018183-G-A.
Other names: c.727C>T, p.Pro243Ser (NM_001243226.3); c.349C>T, p.Pro117Ser (NM_001243227.2, NM_001306207.1, NM_001348217.1 and 9 more transcripts); c.421C>T, p.Pro141Ser (NM_001243228.2, NM_001330604.3, NM_001369567.1 and 5 more transcripts); c.415C>T, p.Pro139Ser (NM_001243230.2); c.295C>T, p.Pro99Ser (NM_001243231.2, NM_001348211.2); c.208C>T, p.Pro70Ser (NM_001243232.1, NM_001306208.1); c.31C>T, p.Pro11Ser (NM_001243233.2, NM_001330605.3, NM_001348212.2 and 1 more transcripts); c.346C>T, p.Pro116Ser (NM_001348220.1, NM_001369576.1, NM_001369578.1 and 3 more transcripts); and 1 more; short protein forms P116S, P117S, P11S, P139S, P140S, P141S, P243S, P70S.
Identifiers: ClinVar variation 1339619 (VCV001339619.4), dbSNP rs2144786748, ClinGen allele CA402702621.

ClinVar aggregate classification (germline): Uncertain significance. Review status: criteria provided, multiple submitters, no conflicts (2 of 4 stars). 2 submissions from 2 submitters: Uncertain significance (2). Last evaluated 2021-08-07.

Conditions:
Inborn genetic diseases. Identifiers: MedGen C0950123, MeSH D030342.

Allele frequency attached by ClinVar (database versions not stated): gnomAD exomes below 0.00001.

Submissions (2):

GeneDx
Classification: Uncertain significance. Last evaluated: 2021-08-07. Review status: criteria provided, single submitter. Criteria: GeneDx Variant Classification Process June 2021. Collection method: clinical testing. Allele origin: germline. Affected: yes.
Comment: Not observed at significant frequency in large population cohorts (gnomAD); In silico analysis supports that this missense variant has a deleterious effect on protein structure/function; Has not been previously published as pathogenic or benign to our knowledge

Ambry Genetics
Classification: Uncertain significance for Inborn genetic diseases. Last evaluated: 2017-09-30. Review status: criteria provided, single submitter. Criteria: Ambry Variant Classification Scheme 2023. Collection method: clinical testing. Allele origin: germline.
Comment: The p.P141S variant (also known as c.421C>T), located in coding exon 6 of the TCF4 gene, results from a C to T substitution at nucleotide position 421. The proline at codon 141 is replaced by serine, an amino acid with similar properties. This amino acid position is highly conserved in available vertebrate species. In addition, the in silico prediction for this alteration is inconclusive. Since supporting evidence is limited at this time, the clinical significance of this alteration remains unclear.